The following is an entry in ClinVar:

NM_000426.4(LAMA2):c.731_732del (p.Arg244fs)

Gene: LAMA2 (laminin subunit alpha 2; plus strand). Cytogenetic location: 6q22.33.
Variant type: Microsatellite.
Coding change: c.731_732del on transcript NM_000426.4 (MANE Select); coding-DNA positions 731 to 732, 2 bases deleted (GA; older notation c.731_732delGA).
Protein change: p.Arg244fs; shifts the reading frame from arginine 244.
Molecular consequence: frameshift variant.
Genome position (GRCh38, 1-based): chr6:129,143,992-129,143,993, GA deleted; deleting any 2 consecutive bases within chr6:129,143,990-129,143,993 gives the same sequence; the c. name uses the placement nearest the transcript's 3' end. VCF-style (leftmost placement, unchanged base first): chr6-129143989-TGA-T. GRCh37 (hg19) VCF-style: chr6-129465134-TGA-T.
Other names: c.731_732del, p.Arg244fs (NM_001079823.2); short protein forms R244fs.
Identifiers: ClinVar variation 1724157 (VCV001724157.3), dbSNP rs2482584694, ClinGen allele CA2580615760.

ClinVar aggregate classification (germline): Likely pathogenic (1 of 4 stars; one submission).

Conditions:
LAMA2-related muscular dystrophy (LAMA2-RD). Also called: Laminin alpha 2-related dystrophy. Identifiers: MedGen C5679788, MONDO:0100228.

Submission:

Myriad Genetics, Inc.
Classification: Likely pathogenic for LAMA2-related muscular dystrophy. Last evaluated: 2022-01-28. Review status: criteria provided, single submitter. Criteria: Myriad Autosomal Dominant, Autosomal Recessive and X-Linked Classification Criteria (2023). Collection method: clinical testing. Allele origin: unknown.
Comment: NM_000426.3(LAMA2):c.731_732delGA(R244Ifs*10) is expected to be pathogenic in the context of muscular dystrophy, LAMA2-related. This variant is predicted to lead to an abnormal or absent protein product due to the creation of a premature termination codon in LAMA2, a gene where loss-of-function variants are known to be pathogenic. Please note: this variant was assessed in the context of healthy population screening.